The following is an entry in ClinVar:

ClinVar aggregate classification (germline): Uncertain significance (1 of 4 stars; one submission).

Conditions:
Bardet-Biedl syndrome (BBS). Identifiers: Orphanet 110, MedGen C0752166, MONDO:0015229.

Submission:

Labcorp Genetics (formerly Invitae), Labcorp
Classification: Uncertain significance for Bardet-Biedl syndrome. Last evaluated: 2022-03-10. Review status: criteria provided, single submitter. Criteria: Invitae Variant Classification Sherloc (09022015). Collection method: clinical testing. Allele origin: germline.
Comment: This sequence change falls in intron 3 of the BBS7 gene. It does not directly change the encoded amino acid sequence of the BBS7 protein. It affects a nucleotide within the consensus splice site. This variant is not present in population databases (gnomAD no frequency). This variant has not been reported in the literature in individuals affected with BBS7-related conditions. Variants that disrupt the consensus splice site are a relatively common cause of aberrant splicing (PMID: 17576681, 9536098). Algorithms developed to predict the effect of sequence changes on RNA splicing suggest that this variant may disrupt the consensus splice site. In summary, the available evidence is currently insufficient to determine the role of this variant in disease. Therefore, it has been classified as a Variant of Uncertain Significance.

Literature cited by the submitters: PubMed 17576681; PubMed 9536098.

NM_176824.3(BBS7):c.165+5G>C

Gene: BBS7 (Bardet-Biedl syndrome 7; minus strand). Cytogenetic location: 4q27.
Variant type: single nucleotide variant.
Coding change: c.165+5G>C on transcript NM_176824.3 (MANE Select); 5 bases into the intron after coding-DNA position 165, G replaced by C.
Molecular consequence: intron variant.
Genome position (GRCh38, 1-based): chr4:121,863,212, C>G on the plus strand (G>C on the coding strand, the complement: BBS7 is on the minus strand). VCF-style: chr4-121863212-C-G. GRCh37 (hg19) VCF-style: chr4-122784367-C-G.
Other names: c.165+5G>C (NM_018190.4).
Identifiers: ClinVar variation 1414543 (VCV001414543.6), dbSNP rs760257318, ClinGen allele CA2573137981.